The following is an entry in ClinVar:

ClinVar aggregate classification (germline): Uncertain significance (1 of 4 stars; one submission).

gnomAD v4.1: 1 of 1,614,086 alleles (0.000062%); highest among the groups gnomAD compares: Middle Eastern, 0.016%; no homozygotes.

Submission:

Labcorp Genetics (formerly Invitae), Labcorp
Classification: Uncertain significance. Last evaluated: 2022-07-15. Review status: criteria provided, single submitter. Criteria: Invitae Variant Classification Sherloc (09022015). Collection method: clinical testing. Allele origin: germline.
Comment: Algorithms developed to predict the effect of missense changes on protein structure and function are either unavailable or do not agree on the potential impact of this missense change (SIFT: "Deleterious"; PolyPhen-2: "Possibly Damaging"; Align-GVGD: "Class C0"). This variant has not been reported in the literature in individuals affected with RUSC2-related conditions. This variant is not present in population databases (gnomAD no frequency). This sequence change replaces proline, which is neutral and non-polar, with glutamine, which is neutral and polar, at codon 833 of the RUSC2 protein (p.Pro833Gln). In summary, the available evidence is currently insufficient to determine the role of this variant in disease. Therefore, it has been classified as a Variant of Uncertain Significance.

NM_014806.5(RUSC2):c.2498C>A (p.Pro833Gln)

Gene: RUSC2 (RUN and SH3 domain containing 2; plus strand). Cytogenetic location: 9p13.3.
Variant type: single nucleotide variant.
Coding change: c.2498C>A on transcript NM_014806.5 (MANE Select); coding-DNA position 2498, C replaced by A.
Protein change: p.Pro833Gln; replaces proline 833 with glutamine.
Molecular consequence: missense variant. On other transcripts: 5 prime UTR variant (1), non-coding transcript variant (1).
Genome position (GRCh38, 1-based): chr9:35,555,543, C>A. VCF-style: chr9-35555543-C-A. GRCh37 (hg19) VCF-style: chr9-35555540-C-A.
Other names: c.2498C>A, p.Pro833Gln (NM_001135999.2); c.-137C>A (NM_001330740.2); short protein forms P833Q.
Identifiers: ClinVar variation 2122803 (VCV002122803.4), dbSNP rs144253256, ClinGen allele CA373342183.